The following is an entry in ClinVar:

ClinVar aggregate classification (germline): Uncertain significance. Review status: criteria provided, multiple submitters, no conflicts (2 of 4 stars). 2 submissions from 2 submitters: Uncertain significance (2). Last evaluated 2024-03-27.

Submissions (2):

Women's Health and Genetics/Laboratory Corporation of America, LabCorp
Classification: Uncertain significance. Last evaluated: 2024-03-27. Review status: criteria provided, single submitter. Criteria: LabCorp Variant Classification Summary - May 2015. Collection method: clinical testing. Allele origin: germline.

Labcorp Genetics (formerly Invitae), Labcorp
Classification: Uncertain significance. Last evaluated: 2022-07-06. Review status: criteria provided, single submitter. Criteria: Invitae Variant Classification Sherloc (09022015). Collection method: clinical testing. Allele origin: germline.
Comment: This sequence change replaces histidine, which is basic and polar, with arginine, which is basic and polar, at codon 256 of the TYR protein (p.His256Arg). This variant is present in population databases (no rsID available, gnomAD 0.006%). This missense change has been observed in individual(s) with oculocutaneous albinism (Invitae). In at least one individual the data is consistent with being in trans (on the opposite chromosome) from a pathogenic variant. Algorithms developed to predict the effect of missense changes on protein structure and function are either unavailable or do not agree on the potential impact of this missense change (SIFT: "Tolerated"; PolyPhen-2: "Possibly Damaging"; Align-GVGD: "Class C0"). In summary, the available evidence is currently insufficient to determine the role of this variant in disease. Therefore, it has been classified as a Variant of Uncertain Significance.

NM_000372.5(TYR):c.767A>G (p.His256Arg)

Gene: TYR (tyrosinase; plus strand). Cytogenetic location: 11q14.3.
Variant type: single nucleotide variant.
Coding change: c.767A>G on transcript NM_000372.5 (MANE Select); coding-DNA position 767, A replaced by G.
Protein change: p.His256Arg; replaces histidine 256 with arginine.
Molecular consequence: missense variant.
Genome position (GRCh38, 1-based): chr11:89,178,720, A>G. VCF-style: chr11-89178720-A-G. GRCh37 (hg19) VCF-style: chr11-88911888-A-G.
Other names: short protein forms H256R.
Identifiers: ClinVar variation 1975949 (VCV001975949.4), dbSNP rs1289102976, ClinGen allele CA382035405.
Genomic context (GRCh38, chr11:89,178,720, plus strand): 5'-GGGACTGGCGGGATGCAGAAAAGTGTGACATTTGCACAGATGAGTACATGGGAGGTCAGC[A>G]CCCCACAAATCCTAACTTACTCAGCCCAGCATCATTCTTCTCCTCTTGGCAGGTAAGATA-3'
Protein context (NP_000363.1, residues 246-266): ICTDEYMGGQ[His256Arg]PTNPNLLSPA